The following is an entry in ClinVar:

ClinVar aggregate classification (germline): Benign (1 of 4 stars; one submission).

gnomAD v4.1: 1,472 of 1,601,940 alleles (0.092%); highest among the groups gnomAD compares: African/African-American, 1.6%; 8 homozygotes.

Submission:

Mayo Clinic Laboratories, Mayo Clinic
Classification: Benign. Last evaluated: 2024-06-19. Review status: criteria provided, single submitter. Criteria: ACMG Guidelines, 2015. Collection method: clinical testing. Allele origin: germline. Observed: 14 variant alleles.
Comment: BS1, BP4_strong

NM_012088.3(PGLS):c.736C>T (p.Arg246Cys)

Gene: PGLS (6-phosphogluconolactonase; plus strand). Cytogenetic location: 19p13.11.
Variant type: single nucleotide variant.
Coding change: c.736C>T on transcript NM_012088.3 (MANE Select); coding-DNA position 736, C replaced by T.
Protein change: p.Arg246Cys; replaces arginine 246 with cysteine.
Molecular consequence: missense variant.
Genome position (GRCh38, 1-based): chr19:17,521,040, C>T. VCF-style: chr19-17521040-C-T. GRCh37 (hg19) VCF-style: chr19-17631849-C-T.
Other names: p.Arg246Cys; short protein forms R246C.
Identifiers: ClinVar variation 4684342 (VCV004684342.1).